The following is an entry in ClinVar:

ClinVar aggregate classification (germline): Uncertain significance. Review status: criteria provided, multiple submitters, no conflicts (2 of 4 stars). 5 submissions from 5 submitters: Uncertain significance (4). 1 of the submissions does not count toward it. Last evaluated 2026-09-21.

Conditions:
MAN2B1-related disorder. Also called: MAN2B1-related condition.
Deficiency of alpha-mannosidase (MANSA). Also called: Mannosidosis, alpha-, types I and II; LYSOSOMAL ALPHA-D-MANNOSIDASE DEFICIENCY; Alpha-Mannosidosis. Identifiers: Orphanet 61, MedGen C0024748, MONDO:0009561, OMIM 248500.

Allele frequency attached by ClinVar (database versions not stated): TOPMed 0.00012; gnomAD 0.00014 and 0.00015; ESP Exome Variant Server 0.00023; gnomAD exomes 0.00028; 1000 Genomes Project 30x 0.00031; 1000 Genomes Project 0.00040; ExAC 0.00044.
gnomAD v4.1: 318 of 1,613,972 alleles (0.02%); highest among the groups gnomAD compares: Non-Finnish European, 0.023%; no homozygotes.

Submissions (6):

PreventionGenetics, part of Exact Sciences
Classification: Uncertain significance for MAN2B1-related condition. Last evaluated: 2026-09-21. Review status: criteria provided, single submitter. Criteria: ACMG Guidelines, 2015. Collection method: clinical testing. Allele origin: germline.
Comment: The MAN2B1 c.718C>T variant is predicted to result in the amino acid substitution p.Arg240Trp. To our knowledge, this variant has not been reported in the literature. This variant is reported in 0.048% of alleles in individuals of European (Finnish) descent in gnomAD. At this time, the clinical significance of this variant is uncertain due to the absence of conclusive functional and genetic evidence.

Mayo Clinic Laboratories, Mayo Clinic
Classification: Uncertain significance. Last evaluated: 2025-03-13. Review status: criteria provided, single submitter. Criteria: ACMG Guidelines, 2015. Collection method: clinical testing. Allele origin: germline. Observed: 2 variant alleles.
Comment: PP3, PM2_supporting

Blueprint Genetics
Classification: Uncertain significance. Last evaluated: 2024-11-01. Review status: criteria provided, single submitter. Criteria: ACMG Guidelines, 2015. Collection method: clinical testing. Allele origin: germline.

Labcorp Genetics (formerly Invitae), Labcorp
Classification: Uncertain significance for Deficiency of alpha-mannosidase. Last evaluated: 2022-10-13. Review status: criteria provided, single submitter. Criteria: Invitae Variant Classification Sherloc (09022015). Collection method: clinical testing. Allele origin: germline.
Comment: This sequence change replaces arginine, which is basic and polar, with tryptophan, which is neutral and slightly polar, at codon 240 of the MAN2B1 protein (p.Arg240Trp). This variant is present in population databases (rs201448121, gnomAD 0.05%). This variant has not been reported in the literature in individuals affected with MAN2B1-related conditions. ClinVar contains an entry for this variant (Variation ID: 565747). Advanced modeling of protein sequence and biophysical properties (such as structural, functional, and spatial information, amino acid conservation, physicochemical variation, residue mobility, and thermodynamic stability) has been performed at Invitae for this missense variant, however the output from this modeling did not meet the statistical confidence thresholds required to predict the impact of this variant on MAN2B1 protein function. Algorithms developed to predict the effect of sequence changes on RNA splicing suggest that this variant may create or strengthen a splice site. In summary, the available evidence is currently insufficient to determine the role of this variant in disease. Therefore, it has been classified as a Variant of Uncertain Significance.

Natera, Inc.
Classification: Uncertain significance for Alpha-mannosidosis. Last evaluated: 2020-09-16. Review status: no assertion criteria provided. Collection method: clinical testing. Allele origin: germline. Not counted in ClinVar's aggregate classification.

Dr. Peter K. Rogan Lab, Western University
No classification provided (evidence only). Condition: Familial cancer of breast. Review status: no classification provided. Collection method: in vitro. Allele origin: not applicable. Functional consequence: retained intron. Not counted in ClinVar's aggregate classification.

NM_000528.4(MAN2B1):c.718C>T (p.Arg240Trp)

Gene: MAN2B1 (mannosidase alpha class 2B member 1; minus strand). Cytogenetic location: 19p13.13.
Variant type: single nucleotide variant.
Coding change: c.718C>T on transcript NM_000528.4 (MANE Select); coding-DNA position 718, C replaced by T.
Protein change: p.Arg240Trp; replaces arginine 240 with tryptophan.
Molecular consequence: missense variant.
Genome position (GRCh38, 1-based): chr19:12,663,748, G>A on the plus strand (C>T on the coding strand, the complement: MAN2B1 is on the minus strand). VCF-style: chr19-12663748-G-A. GRCh37 (hg19) VCF-style: chr19-12774562-G-A.
Other names: p.Arg240Trp; c.718C>T, p.Arg240Trp (NM_001173498.2); short protein forms R240W.
Identifiers: ClinVar variation 565747 (VCV000565747.13), dbSNP rs201448121, ClinGen allele CA9226732.